The following is an entry in ClinVar:

ClinVar aggregate classification (germline): Pathogenic (1 of 4 stars; one submission).

Submission:

Labcorp Genetics (formerly Invitae), Labcorp
Classification: Pathogenic. Last evaluated: 2023-12-22. Review status: criteria provided, single submitter. Criteria: Invitae Variant Classification Sherloc (09022015). Collection method: clinical testing. Allele origin: germline.
Comment: This sequence change creates a premature translational stop signal (p.Ser512Phefs*2) in the BEST1 gene. It is expected to result in an absent or disrupted protein product. Loss-of-function variants in BEST1 are known to be pathogenic (PMID: 21825197). This variant is not present in population databases (gnomAD no frequency). This variant has not been reported in the literature in individuals affected with BEST1-related conditions. ClinVar contains an entry for this variant (Variation ID: 1451804). For these reasons, this variant has been classified as Pathogenic.

Literature cited by the submitters: PubMed 21825197.

NM_004183.4(BEST1):c.1533_1534del (p.Ser512fs)

Gene: BEST1 (bestrophin 1; plus strand). Cytogenetic location: 11q12.3.
Variant type: Deletion.
Coding change: c.1533_1534del on transcript NM_004183.4 (MANE Select); coding-DNA positions 1533 to 1534, 2 bases deleted (AA; older notation c.1533_1534delAA).
Protein change: p.Ser512fs; shifts the reading frame from serine 512.
Molecular consequence: frameshift variant. On other transcripts: non-coding transcript variant (1).
Genome position (GRCh38, 1-based): chr11:61,962,687-61,962,688, AA deleted; deleting any 2 consecutive bases within chr11:61,962,685-61,962,688 gives the same sequence; the c. name uses the placement nearest the transcript's 3' end. VCF-style (leftmost placement, unchanged base first): chr11-61962684-GAA-G. GRCh37 (hg19) VCF-style: chr11-61730156-GAA-G.
Other names: c.1353_1354delAA, p.Ser452Phefs (NM_001139443.3); c.1272_1273del, p.Ser425fs (NM_001300786.2); c.1353_1354del, p.Ser452fs (NM_001300787.2); c.1215_1216delAA, p.Ser406Phefs (NM_001363591.3); c.*428_*429delAA (NM_001363592.2); c.561_562delAA, p.Ser188Phefs (NM_001363593.3); short protein forms S512fs, S406fs, S452fs, S188fs, S425fs.
Identifiers: ClinVar variation 1451804 (VCV001451804.6), dbSNP rs1244671706, ClinGen allele CA679007126.